The following is an entry in ClinVar:

NM_000488.4(SERPINC1):c.530G>A (p.Arg177His)

Gene: SERPINC1 (serpin family C member 1; minus strand). Cytogenetic location: 1q25.1.
Variant type: single nucleotide variant.
Coding change: c.530G>A on transcript NM_000488.4 (MANE Select); coding-DNA position 530, G replaced by A.
Protein change: p.Arg177His; replaces arginine 177 with histidine.
Molecular consequence: missense variant. On other transcripts: intron variant (1).
Genome position (GRCh38, 1-based): chr1:173,911,893, C>T on the plus strand (G>A on the coding strand, the complement: SERPINC1 is on the minus strand). VCF-style: chr1-173911893-C-T. GRCh37 (hg19) VCF-style: chr1-173881031-C-T.
Other names: c.386G>A, p.Arg129His (NM_001365052.2); c.530G>A, p.Arg177His (NM_001386302.1, NM_001386304.1, NM_001386305.1); c.611G>A, p.Arg204His (NM_001386303.1); c.409-1002G>A (NM_001386306.1); short protein forms R177H, R129H, R204H.
Identifiers: ClinVar variation 237850 (VCV000237850.6), dbSNP rs878854020, ClinGen allele CA10581757.

ClinVar aggregate classification (germline): Uncertain significance. Review status: criteria provided, multiple submitters, no conflicts (2 of 4 stars). 2 submissions from 2 submitters: Uncertain significance (2). Last evaluated 2025-04-12.

Conditions:
Inborn genetic diseases. Identifiers: MedGen C0950123, MeSH D030342.
Hereditary antithrombin deficiency (AT3D). Also called: Antithrombin III deficiency; Thrombophilia due to antithrombin III deficiency; Antithrombin deficiency; Reduced antithrombin III activity. Identifiers: Orphanet 82, MedGen C0272375, MONDO:0013144, OMIM 613118, HP:0001976.

Allele frequency attached by ClinVar (database versions not stated): gnomAD exomes below 0.00001 and 0.00001; gnomAD 0.00001; TOPMed 0.00001.

Submissions (2):

Ambry Genetics
Classification: Uncertain significance for Inborn genetic diseases. Last evaluated: 2025-04-12. Review status: criteria provided, single submitter. Criteria: Ambry Variant Classification Scheme 2023. Collection method: clinical testing. Allele origin: germline.

Labcorp Genetics (formerly Invitae), Labcorp
Classification: Uncertain significance for Hereditary antithrombin deficiency. Last evaluated: 2016-01-07. Review status: criteria provided, single submitter. Criteria: Invitae Variant Classification Sherloc (09022015). Collection method: clinical testing. Allele origin: germline.
Comment: Algorithms developed to predict the effect of missense changes on protein structure and function (SIFT, PolyPhen-2, Align-GVGD) all suggest that this variant is likely to be disruptive, but these predictions have not been confirmed by published functional studies. In summary, this is a novel missense change with uncertain impact on protein function. It has been classified as a Variant of Uncertain Significance. This variant is not present in population databases (ExAC no frequency) and has not been reported in the literature in individuals with a SERPINC1-related disease. This sequence change replaces arginine with histidine at codon 177 of the SERPINC1 protein (p.Arg177His). The arginine residue is highly conserved and there is a small physicochemical difference between arginine and histidine.